The following is an entry in ClinVar:

ClinVar aggregate classification (germline): Conflicting classifications of pathogenicity. Review status: criteria provided, conflicting classifications (1 of 4 stars). 5 submissions from 5 submitters: Uncertain significance (1); Likely benign (2). 2 of the submissions do not count toward it. Last evaluated 2023-10-06.

Conditions:
CFTR-related disorder (CFTR-RD). Also called: CFTR-related disorders; CFTR-related condition. Identifiers: MedGen C5924204, MONDO:7770004.
Cystic fibrosis (CF). Also called: MUCOVISCIDOSIS. Identifiers: Orphanet 586, MedGen C0010674, MONDO:0009061, OMIM 219700. Disease mechanism: loss of function.

Allele frequency attached by ClinVar (database versions not stated): gnomAD exomes below 0.00001; ExAC 0.00001; ESP Exome Variant Server 0.00008.
gnomAD v4.1: 2 of 1,604,036 alleles (0.00012%); highest among the groups gnomAD compares: Non-Finnish European, 0.00017%; no homozygotes.

Submissions (5):

Labcorp Genetics (formerly Invitae), Labcorp
Classification: Likely benign for Cystic fibrosis. Last evaluated: 2023-10-06. Review status: criteria provided, single submitter. Criteria: Invitae Variant Classification Sherloc (09022015). Collection method: clinical testing. Allele origin: germline.

Blueprint Genetics
Classification: Likely benign. Last evaluated: 2023-05-29. Review status: criteria provided, single submitter. Criteria: ACMG Guidelines, 2015. Collection method: clinical testing. Allele origin: germline.

Quest Diagnostics Nichols Institute San Juan Capistrano
Classification: Uncertain significance. Last evaluated: 2021-06-28. Review status: criteria provided, single submitter. Criteria: Quest Diagnostics criteria. Collection method: clinical testing. Allele origin: unknown.

PreventionGenetics, part of Exact Sciences
Classification: Likely benign for CFTR-related condition. Last evaluated: 2022-02-28. Review status: no assertion criteria provided. Collection method: clinical testing. Allele origin: germline. Not counted in ClinVar's aggregate classification.
Comment: This variant is classified as likely benign based on ACMG/AMP sequence variant interpretation guidelines (Richards et al. 2015 PMID: 25741868, with internal and published modifications).

Counsyl
Classification: Uncertain significance for Cystic fibrosis. Last evaluated: 2018-03-06. Review status: no assertion criteria provided. Collection method: clinical testing. Allele origin: unknown. Not counted in ClinVar's aggregate classification.

Literature cited by the submitters: PubMed 17003641 (cited by Quest Diagnostics Nichols Institute San Juan Capistrano and Counsyl).

NM_000492.4(CFTR):c.2657+17C>T

Gene: CFTR (CF transmembrane conductance regulator; plus strand). Cytogenetic location: 7q31.2.
Variant type: single nucleotide variant.
Coding change: c.2657+17C>T on transcript NM_000492.4 (MANE Select); 17 bases into the intron after coding-DNA position 2657, C replaced by T.
Molecular consequence: intron variant.
Genome position (GRCh38, 1-based): chr7:117,602,880, C>T. VCF-style: chr7-117602880-C-T. GRCh37 (hg19) VCF-style: chr7-117242934-C-T.
Identifiers: ClinVar variation 556930 (VCV000556930.17), dbSNP rs368543375, ClinGen allele CA4451253.